The following is an entry in ClinVar:

ClinVar aggregate classification (germline): Uncertain significance. Review status: criteria provided, multiple submitters, no conflicts (2 of 4 stars). 4 submissions from 3 submitters: Uncertain significance (2). 2 of the submissions do not count toward it. Last evaluated 2023-01-31.

Conditions:
Developmental and epileptic encephalopathy, 75. Also called: EPILEPTIC ENCEPHALOPATHY, EARLY INFANTILE, 75. Identifiers: MedGen C5193099, MONDO:0032752, OMIM 618437.

Allele frequency attached by ClinVar (database versions not stated): gnomAD exomes below 0.00001 and 0.00001.
gnomAD v4.1: 9 of 1,613,962 alleles (0.00056%); highest among the groups gnomAD compares: South Asian, 0.0066%; no homozygotes.

Submissions (4):

GeneDx
Classification: Uncertain significance. Last evaluated: 2023-01-31. Review status: criteria provided, single submitter. Criteria: GeneDx Variant Classification Process June 2021. Collection method: clinical testing. Allele origin: germline. Affected: yes.
Comment: Not observed at significant frequency in large population cohorts (gnomAD); In silico analysis supports that this missense variant does not alter protein structure/function; Has not been previously published as pathogenic or benign to our knowledge

Dubai Health Genomic Medicine Center, Dubai Health
Classification: Uncertain significance. Last evaluated: 2022-12-17. Review status: criteria provided, single submitter. Criteria: ACMG Guidelines, 2015. Collection method: clinical testing. Allele origin: germline. Affected: yes.

Hong-Tao Li Lab, Institute of Brain Science and Brain-inspired Research, Shandong First Medical University & Shandong Academy of Medical Sciences China
Classification: Uncertain significance for Developmental and epileptic encephalopathy, 75. Review status: no assertion criteria provided. Collection method: research. Allele origin: germline. Inheritance: Autosomal recessive inheritance. Affected: yes. Observed: 1 variant allele, 1 homozygote. Not counted in ClinVar's aggregate classification.
Comment: Observed in affected individuals from a Pakistani neurodevelopmental-disorder research cohort of 263 individuals. Classification assigned using the ACMG/AMP framework. Population-frequency evidence: gnomAD AF 7.955e-06.

Dubai Health Genomic Medicine Center, Dubai Health
Classification: Uncertain significance. Last evaluated: 2021-03-18. Review status: flagged submission. Criteria: ACMG Guidelines, 2015. Collection method: clinical testing. Allele origin: germline. Affected: yes. Not counted in ClinVar's aggregate classification.
Comment: The p. Lys236Glu missense variant in PARS2 has not been previously reported in individuals with disease but was identified in 2/30616 (0.0065% 0 homozygotes) South Asian alleles in the Genome Aggregation Database (gnomAD). Computational prediction tools and conservation analyses suggest this variant may not impact the protein though this information is not predictive enough to rule out pathogenicity. In summary additional information is needed to fully assess the clinical significance of this variant.
ClinVar note: Reason: This record appears to be redundant with a more recent record from the same submitter.
ClinVar note: Notes: SCV001984654 appears to be redundant with SCV002774972.

NM_152268.4(PARS2):c.706A>G (p.Lys236Glu)

Gene: PARS2 (prolyl-tRNA synthetase 2, mitochondrial; minus strand). Cytogenetic location: 1p32.3.
Variant type: single nucleotide variant.
Coding change: c.706A>G on transcript NM_152268.4 (MANE Select); coding-DNA position 706, A replaced by G.
Protein change: p.Lys236Glu; replaces lysine 236 with glutamic acid.
Molecular consequence: missense variant.
Genome position (GRCh38, 1-based): chr1:54,758,456, T>C on the plus strand (A>G on the coding strand, the complement: PARS2 is on the minus strand). VCF-style: chr1-54758456-T-C. GRCh37 (hg19) VCF-style: chr1-55224129-T-C.
Other names: c.706A>G (NM_152268.3); short protein forms K236E.
Identifiers: ClinVar variation 1301816 (VCV001301816.5), dbSNP rs1301028412, ClinGen allele CA340462738.